The following is an entry in ClinVar:

ClinVar aggregate classification (germline): Uncertain significance (1 of 4 stars; one submission).

Conditions:
Baller-Gerold syndrome (BGS). Also called: CRANIOSYNOSTOSIS WITH RADIAL DEFECTS. Identifiers: Orphanet 1225, MedGen C0265308, MONDO:0009039, OMIM 218600.

gnomAD v4.1: 1 of 1,609,500 alleles (0.000062%); highest among the groups gnomAD compares: Admixed American, 0.0017%; no homozygotes.

Submission:

Labcorp Genetics (formerly Invitae), Labcorp
Classification: Uncertain significance for Baller-Gerold syndrome. Last evaluated: 2021-06-30. Review status: criteria provided, single submitter. Criteria: Invitae Variant Classification Sherloc (09022015). Collection method: clinical testing. Allele origin: germline.
Comment: This variant has not been reported in the literature in individuals with RECQL4-related conditions. This variant is not present in population databases (ExAC no frequency). This sequence change replaces alanine with glutamic acid at codon 587 of the RECQL4 protein (p.Ala587Glu). The alanine residue is moderately conserved and there is a moderate physicochemical difference between alanine and glutamic acid. Experimental studies and prediction algorithms are not available or were not evaluated, and the functional significance of this variant is currently unknown. In summary, the available evidence is currently insufficient to determine the role of this variant in disease. Therefore, it has been classified as a Variant of Uncertain Significance.

NM_004260.4(RECQL4):c.1760C>A (p.Ala587Glu)

Gene: RECQL4 (RecQ like helicase 4; minus strand). Cytogenetic location: 8q24.3.
Variant type: single nucleotide variant.
Coding change: c.1760C>A on transcript NM_004260.4 (MANE Select); coding-DNA position 1760, C replaced by A.
Protein change: p.Ala587Glu; replaces alanine 587 with glutamic acid.
Molecular consequence: missense variant.
Genome position (GRCh38, 1-based): chr8:144,514,307, G>T on the plus strand (C>A on the coding strand, the complement: RECQL4 is on the minus strand). VCF-style: chr8-144514307-G-T. GRCh37 (hg19) VCF-style: chr8-145739691-G-T.
Other names: short protein forms A587E.
Identifiers: ClinVar variation 1485830 (VCV001485830.6), dbSNP rs747307935, ClinGen allele CA372681045.
Genomic context (GRCh38, chr8:144,514,307, plus strand): 5'-GCCTCATCAATGCAGGCAAAAGCAACTGGAGGCAGCTGTGCGGCTGGAGGGAGGCCTCCC[G>T]CCCCCACCAGTGCCTCAGGTGTCAGCATCAGCACGTGTACCTGGGCTGCCCGAATCTGAA-3'
Protein context (NP_004251.4, residues 577-597): LMLTPEALVG[Ala587Glu]GGLPPAAQLP